The following is an entry in ClinVar:

ClinVar aggregate classification (germline): Benign/Likely benign. Review status: criteria provided, multiple submitters, no conflicts (2 of 4 stars). 14 submissions from 14 submitters: Benign (6); Likely benign (5). 3 of the submissions do not count toward it. Last evaluated 2026-02-03.

Conditions:
Cardiovascular phenotype. Identifiers: MedGen CN230736.
Myofibrillar myopathy 6. Identifiers: Orphanet 199340, MedGen C2751831, MONDO:0013061, OMIM 612954.
Dilated cardiomyopathy 1HH (CMD1HH). Identifiers: Orphanet 154, MedGen C3151293, MONDO:0013479, OMIM 613881.

Allele frequency attached by ClinVar (database versions not stated): gnomAD exomes 0.00016 and 0.00037; ExAC 0.00052; ESP Exome Variant Server 0.00139; gnomAD 0.00170 and 0.00175; TOPMed 0.00180; 1000 Genomes Project 30x 0.00422; 1000 Genomes Project 0.00459.
gnomAD v4.1: 503 of 1,589,294 alleles (0.032%); highest among the groups gnomAD compares: African/African-American, 0.61%; 2 homozygotes.

Submissions (14):

Labcorp Genetics (formerly Invitae), Labcorp
Classification: Benign for Dilated cardiomyopathy 1HH; Myofibrillar myopathy 6. Last evaluated: 2026-02-03. Review status: criteria provided, single submitter. Criteria: Invitae Variant Classification Sherloc (09022015). Collection method: clinical testing. Allele origin: germline.

ARUP Laboratories, Molecular Genetics and Genomics, ARUP Laboratories
Classification: Benign. Last evaluated: 2025-04-14. Review status: criteria provided, single submitter. Criteria: ARUP Molecular Germline Variant Investigation Process 2024. Collection method: clinical testing. Allele origin: germline.

Molecular Diagnostic Laboratory for Inherited Cardiovascular Disease, Montreal Heart Institute
Classification: Likely benign. Last evaluated: 2025-04-09. Review status: criteria provided, single submitter. Criteria: ACMG Guidelines, 2015. Collection method: clinical testing. Allele origin: germline. Affected: no.

Mayo Clinic Laboratories, Mayo Clinic
Classification: Benign. Last evaluated: 2025-03-12. Review status: criteria provided, single submitter. Criteria: ACMG Guidelines, 2015. Collection method: clinical testing. Allele origin: germline. Observed: 4 variant alleles.
Comment: BA1, BP4_moderate

Blueprint Genetics
Classification: Likely benign. Last evaluated: 2024-08-06. Review status: criteria provided, single submitter. Criteria: ACMG Guidelines, 2015. Collection method: clinical testing. Allele origin: germline.

Women's Health and Genetics/Laboratory Corporation of America, LabCorp
Classification: Likely benign. Last evaluated: 2021-11-29. Review status: criteria provided, single submitter. Criteria: LabCorp Variant Classification Summary - May 2015. Collection method: clinical testing. Allele origin: germline.

Ambry Genetics
Classification: Benign for Cardiovascular phenotype. Last evaluated: 2016-01-21. Review status: criteria provided, single submitter. Criteria: Ambry Variant Classification Scheme 2023. Collection method: clinical testing. Allele origin: germline.

GeneDx
Classification: Benign. Last evaluated: 2014-04-25. Review status: criteria provided, single submitter. Criteria: GeneDx Variant Classification (06012015). Collection method: clinical testing. Allele origin: germline. Affected: yes.
Comment: This variant is considered likely benign or benign based on one or more of the following criteria: it is a conservative change, it occurs at a poorly conserved position in the protein, it is predicted to be benign by multiple in silico algorithms, and/or has population frequency not consistent with disease.

Laboratory for Molecular Medicine, Mass General Brigham Personalized Medicine
Classification: Likely benign. Last evaluated: 2012-03-19. Review status: criteria provided, single submitter. Criteria: LMM Criteria. Collection method: clinical testing. Allele origin: germline. Observed: 1 variant allele.
Comment: Met9Val in exon 1 of BAG3: This variant is not expected to have clinical signifi cance because it has been identified in 0.3% (13/3734) of African American chrom osomes from a broad population by the NHLBI Exome Sequencing Project (.; dbSNP rs137965903).

Breakthrough Genomics
Classification: Likely benign. Review status: criteria provided, single submitter. Criteria: ACMG Guidelines, 2015. Collection method: not provided. Allele origin: germline. Inheritance: Autosomal dominant inheritance. Affected: yes.

PreventionGenetics, part of Exact Sciences
Classification: Benign. Review status: criteria provided, single submitter. Criteria: ACMG Guidelines, 2015. Collection method: clinical testing. Allele origin: germline.

Clinical Genetics, Academic Medical Center
Classification: Benign. Review status: no assertion criteria provided. Collection method: clinical testing. Allele origin: germline. Affected: yes. Study: VKGL Data-share Consensus. Not counted in ClinVar's aggregate classification.

Genome Diagnostics Laboratory, University Medical Center Utrecht
Classification: Likely benign. Review status: no assertion criteria provided. Collection method: clinical testing. Allele origin: germline. Affected: yes. Study: VKGL Data-share Consensus. Not counted in ClinVar's aggregate classification.

Joint Genome Diagnostic Labs from Nijmegen and Maastricht, Radboudumc and MUMC+
Classification: Likely benign. Review status: no assertion criteria provided. Collection method: clinical testing. Allele origin: germline. Affected: yes. Study: VKGL Data-share Consensus. Not counted in ClinVar's aggregate classification.

NM_004281.4(BAG3):c.25A>G (p.Met9Val)

Gene: BAG3 (BAG cochaperone 3; plus strand). Cytogenetic location: 10q26.11.
Variant type: single nucleotide variant.
Coding change: c.25A>G on transcript NM_004281.4 (MANE Select); coding-DNA position 25, A replaced by G.
Protein change: p.Met9Val; replaces methionine 9 with valine.
Molecular consequence: missense variant.
Genome position (GRCh38, 1-based): chr10:119,651,700, A>G. VCF-style: chr10-119651700-A-G. GRCh37 (hg19) VCF-style: chr10-121411212-A-G.
Other names: p.M9V:ATG>GTG; short protein forms M9V.
Identifiers: ClinVar variation 136495 (VCV000136495.39), dbSNP rs137965903, ClinGen allele CA295667.